The following is an entry in ClinVar:

ClinVar aggregate classification (germline): Uncertain significance. Review status: criteria provided, multiple submitters, no conflicts (2 of 4 stars). 3 submissions from 3 submitters: Uncertain significance (3). Last evaluated 2021-09-24.

Conditions:
Cerebroretinal microangiopathy with calcifications and cysts 1 (CRMCC1). Identifiers: Orphanet 313838, MedGen C4552029, MONDO:0024564, OMIM 612199.
Dyskeratosis congenita. Identifiers: Orphanet 1775, MedGen C0265965, MONDO:0015780.

Allele frequency attached by ClinVar (database versions not stated): TOPMed 0.00001; ExAC 0.00007.
gnomAD v4.1: 36 of 1,610,776 alleles (0.0022%); highest among the groups gnomAD compares: South Asian, 0.023%; no homozygotes.

Submissions (3):

Labcorp Genetics (formerly Invitae), Labcorp
Classification: Uncertain significance for Dyskeratosis congenita. Last evaluated: 2021-09-24. Review status: criteria provided, single submitter. Criteria: Invitae Variant Classification Sherloc (09022015). Collection method: clinical testing. Allele origin: germline.
Comment: This sequence change affects codon 11 of the CTC1 mRNA. It is a 'silent' change, meaning that it does not change the encoded amino acid sequence of the CTC1 protein. This variant is present in population databases (rs757066174, ExAC 0.04%). This variant has not been reported in the literature in individuals with CTC1-related conditions. ClinVar contains an entry for this variant (Variation ID: 326090). Algorithms developed to predict the effect of sequence changes on RNA splicing suggest that this variant may disrupt the consensus splice site, but this prediction has not been confirmed by published transcriptional studies. In summary, the available evidence is currently insufficient to determine the role of this variant in disease. Therefore, it has been classified as a Variant of Uncertain Significance.

Genome-Nilou Lab
Classification: Uncertain significance for Cerebroretinal microangiopathy with calcifications and cysts 1. Last evaluated: 2021-07-15. Review status: criteria provided, single submitter. Criteria: ACMG Guidelines, 2015. Collection method: clinical testing. Allele origin: germline. Affected: no.

Illumina Laboratory Services, Illumina
Classification: Uncertain significance for Dyskeratosis congenita. Last evaluated: 2018-01-13. Review status: criteria provided, single submitter. Criteria: ICSL Variant Classification Criteria 13 December 2019. Collection method: clinical testing. Allele origin: germline.

NM_025099.6(CTC1):c.33C>T (p.Ser11=)

Genes: PFAS (phosphoribosylformylglycinamidine synthase; plus strand), CTC1 (CST telomere replication complex component 1; minus strand). Cytogenetic location: 17p13.1.
Variant type: single nucleotide variant.
Coding change: c.33C>T on transcript NM_025099.6 (MANE Select); coding-DNA position 33, C replaced by T.
Protein change: p.Ser11=; no amino-acid change (serine 11 retained).
Molecular consequence: synonymous variant. On other transcripts: non-coding transcript variant (1).
Genome position (GRCh38, 1-based): chr17:8,248,004, G>A on the plus strand (C>T on the coding strand, the complement: CTC1 is on the minus strand). VCF-style: chr17-8248004-G-A. GRCh37 (hg19) VCF-style: chr17-8151322-G-A.
Identifiers: ClinVar variation 326090 (VCV000326090.12), dbSNP rs757066174, ClinGen allele CA8372747.